The following is an entry in ClinVar:

NM_001999.4(FBN2):c.5446C>G (p.Pro1816Ala)

Gene: FBN2 (fibrillin 2; minus strand). Cytogenetic location: 5q23.3.
Variant type: single nucleotide variant.
Coding change: c.5446C>G on transcript NM_001999.4 (MANE Select); coding-DNA position 5446, C replaced by G.
Protein change: p.Pro1816Ala; replaces proline 1816 with alanine.
Molecular consequence: missense variant.
Genome position (GRCh38, 1-based): chr5:128,305,925, G>C on the plus strand (C>G on the coding strand, the complement: FBN2 is on the minus strand). VCF-style: chr5-128305925-G-C. GRCh37 (hg19) VCF-style: chr5-127641617-G-C.
Other names: c.5446C>G (NM_001999.3); short protein forms P1816A.
Identifiers: ClinVar variation 809792 (VCV000809792.47), dbSNP rs1561760487, ClinGen allele CA360741437.

ClinVar aggregate classification (germline): Uncertain significance. Review status: criteria provided, multiple submitters, no conflicts (2 of 4 stars). 3 submissions from 3 submitters: Uncertain significance (3). Last evaluated 2024-04-19.

Conditions:
Macular degeneration, early-onset (EOMD). Identifiers: MedGen C4015286, MONDO:0014501, OMIM 616118.
Congenital contractural arachnodactyly (CCA). Also called: Arthrogryposis, distal, type 9; Beals-Hecht syndrome; BEALS SYNDROME. Identifiers: Orphanet 115, MedGen C0220668, MONDO:0007363, OMIM 121050.

Allele frequency attached by ClinVar (database versions not stated): gnomAD exomes below 0.00001; TOPMed 0.00001.
gnomAD v4.1: 3 of 1,613,724 alleles (0.00019%); highest among the groups gnomAD compares: African/African-American, 0.0027%; no homozygotes.

Submissions (3):

Institute of Human Genetics, University of Goettingen
Classification: Uncertain significance for Macular degeneration, early-onset. Last evaluated: 2024-04-19. Review status: criteria provided, single submitter. Criteria: ACMG Guidelines, 2015. Collection method: clinical testing. Allele origin: germline. Affected: yes.

Labcorp Genetics (formerly Invitae), Labcorp
Classification: Uncertain significance for Congenital contractural arachnodactyly. Last evaluated: 2022-07-02. Review status: criteria provided, single submitter. Criteria: Invitae Variant Classification Sherloc (09022015). Collection method: clinical testing. Allele origin: germline.
Comment: In summary, the available evidence is currently insufficient to determine the role of this variant in disease. Therefore, it has been classified as a Variant of Uncertain Significance. Algorithms developed to predict the effect of missense changes on protein structure and function are either unavailable or do not agree on the potential impact of this missense change (SIFT: "Tolerated"; PolyPhen-2: "Probably Damaging"; Align-GVGD: "Class C0"). ClinVar contains an entry for this variant (Variation ID: 809792). This variant has not been reported in the literature in individuals affected with FBN2-related conditions. This variant is not present in population databases (gnomAD no frequency). This sequence change replaces proline, which is neutral and non-polar, with alanine, which is neutral and non-polar, at codon 1816 of the FBN2 protein (p.Pro1816Ala).

CeGaT Center for Human Genetics Tuebingen
Classification: Uncertain significance. Last evaluated: 2019-03-01. Review status: criteria provided, single submitter. Criteria: CeGaT Center For Human Genetics Tuebingen Variant Classification Criteria Version 2. Collection method: clinical testing. Allele origin: germline. Affected: yes. Observed: 2 variant alleles.

Literature cited by the submitters: PubMed 24899048 (cited by Institute of Human Genetics, University of Goettingen).